The following is an entry in ClinVar:

ClinVar aggregate classification (germline): Pathogenic/Likely pathogenic. Review status: criteria provided, multiple submitters, no conflicts (2 of 4 stars). 2 submissions from 2 submitters: Pathogenic (1); Likely pathogenic (1). Last evaluated 2026-03-05.

Conditions:
Pigmentary pallidal degeneration (NBIA1). Also called: PKAN NEUROAXONAL DYSTROPHY, JUVENILE-ONSET; Pantothenate Kinase-Associated Neurodegeneration; Neuroaxonal dystrophy, late infantile; Hallervorden-Spatz disease; Neurodegeneration with brain iron accumulation 1; HARP SYNDROME. Identifiers: Orphanet 157850, MedGen C0018523, MONDO:0009319, OMIM 234200.

Submissions (2):

Mendelics
Classification: Pathogenic for Pigmentary pallidal degeneration. Last evaluated: 2026-03-05. Review status: criteria provided, single submitter. Criteria: ACMG Guidelines, 2015. Collection method: clinical testing. Allele origin: unknown.
Comment: Likely pathogenic/Pathogenic according to ACMG criteria.

Fulgent Genetics
Classification: Likely pathogenic for Pigmentary pallidal degeneration. Last evaluated: 2024-06-03. Review status: criteria provided, single submitter. Criteria: ACMG Guidelines, 2015. Collection method: clinical testing. Allele origin: germline.

NM_001386393.1(PANK2):c.1302dup (p.Gln435fs)

Gene: PANK2 (pantothenate kinase 2; plus strand). Cytogenetic location: 20p13.
Variant type: Duplication.
Coding change: c.1302dup on transcript NM_001386393.1 (MANE Select); coding-DNA position 1302, one base duplicated (G; older notation c.1302dupG).
Protein change: p.Gln435fs; shifts the reading frame from glutamine 435.
Molecular consequence: frameshift variant. On other transcripts: non-coding transcript variant (1).
Genome position (GRCh38, 1-based): chr20:3,918,766, G duplicated; the last of 4 consecutive G bases (chr20:3,918,763-3,918,766); duplicating any one gives the same sequence. VCF-style (leftmost placement, unchanged base first): chr20-3918762-A-AG. GRCh37 (hg19) VCF-style: chr20-3899409-A-AG.
Other names: c.759dup, p.Gln254fs (NM_001324191.2, NM_024960.6, NM_153640.4); c.324dup, p.Gln109fs (NM_001324193.2); c.1632dup, p.Gln545fs (NM_153638.4); short protein forms Q254fs, Q109fs, Q435fs, Q545fs.
Identifiers: ClinVar variation 3587219 (VCV003587219.2).